The following is an entry in ClinVar:

ClinVar aggregate classification (germline): Uncertain significance (1 of 4 stars; one submission).

Conditions:
Adams-Oliver syndrome 5 (AOS5). Identifiers: Orphanet 974, MedGen C4014970, MONDO:0014459, OMIM 616028.

Submissions (2):

Labcorp Genetics (formerly Invitae), Labcorp
Classification: Uncertain significance for Adams-Oliver syndrome 5. Last evaluated: 2019-10-20. Review status: criteria provided, single submitter. Criteria: Invitae Variant Classification Sherloc (09022015). Collection method: clinical testing. Allele origin: germline.
Comment: Nucleotide substitutions within the consensus splice site are a relatively common cause of aberrant splicing (PMID: 17576681, 9536098). Algorithms developed to predict the effect of sequence changes on RNA splicing suggest that this variant may disrupt the consensus splice site, but this prediction has not been confirmed by published transcriptional studies. This sequence change replaces glycine with arginine at codon 481 of the NOTCH1 protein (p.Gly481Arg). The glycine residue is highly conserved and there is a moderate physicochemical difference between glycine and arginine. This variant also falls at the last nucleotide of exon 8 of the NOTCH1 coding sequence, which is part of the consensus splice site for this exon. This variant is not present in population databases (ExAC no frequency). This variant has not been reported in the literature in individuals with NOTCH1-related disease. Algorithms developed to predict the effect of missense changes on protein structure and function (SIFT, PolyPhen-2, Align-GVGD) all suggest that this variant is likely to be disruptive, but these predictions have not been confirmed by published functional studies and their clinical significance is uncertain. In summary, the available evidence is currently insufficient to determine the role of this variant in disease. Therefore, it has been classified as a Variant of Uncertain Significance.

Dr. Peter K. Rogan Lab, Western University
No classification provided (evidence only). Condition: Glioma susceptibility 1. Review status: no classification provided. Collection method: in vitro. Allele origin: not applicable. Functional consequence: retained intron. Not counted in ClinVar's aggregate classification.

Literature cited by the submitters: PubMed 17576681 (cited by Labcorp Genetics (formerly Invitae), Labcorp); PubMed 9536098 (cited by Labcorp Genetics (formerly Invitae), Labcorp).

NM_017617.5(NOTCH1):c.1441G>C (p.Gly481Arg)

Gene: NOTCH1 (notch receptor 1; minus strand). Cytogenetic location: 9q34.3.
Variant type: single nucleotide variant.
Coding change: c.1441G>C on transcript NM_017617.5 (MANE Select); coding-DNA position 1441, G replaced by C.
Protein change: p.Gly481Arg; replaces glycine 481 with arginine.
Molecular consequence: missense variant.
Genome position (GRCh38, 1-based): chr9:136,517,752, C>G on the plus strand (G>C on the coding strand, the complement: NOTCH1 is on the minus strand). VCF-style: chr9-136517752-C-G. GRCh37 (hg19) VCF-style: chr9-139412204-C-G.
Other names: c.1441G>C, p.Gly481Arg (LRG_1122t1); short protein forms G481R.
Identifiers: ClinVar variation 572970 (VCV000572970.11), dbSNP rs1448146225, ClinGen allele CA375562777.